The following is an entry in ClinVar:

ClinVar aggregate classification (germline): Benign/Likely benign. Review status: criteria provided, multiple submitters, no conflicts (2 of 4 stars). 9 submissions from 9 submitters: Benign (3); Likely benign (5). 1 of the submissions does not count toward it. Last evaluated 2026-02-27.

Conditions:
TSC2-related disorder. Also called: TSC2-Related Disorders; TSC2-related condition.
Hereditary cancer-predisposing syndrome. Also called: Hereditary Cancer Syndrome; Neoplastic Syndromes, Hereditary; Hereditary neoplastic syndrome; Tumor predisposition. Identifiers: Orphanet 140162, MedGen C0027672, MeSH D009386, MONDO:0015356.
Tuberous sclerosis syndrome (TSC). Also called: Tuberous Sclerosis Complex; Tuberous sclerosis. Identifiers: Orphanet 805, MedGen C0041341, MONDO:0001734.
Tuberous sclerosis 2 (TSC2). Identifiers: Orphanet 805, MedGen C1860707, MONDO:0013199, OMIM 613254.

Allele frequency attached by ClinVar (database versions not stated): gnomAD 0.00001; ExAC 0.00003; gnomAD exomes 0.00003; TOPMed 0.00003.
gnomAD v4.1: 42 of 1,612,850 alleles (0.0026%); highest among the groups gnomAD compares: South Asian, 0.013%; 1 homozygote.

Submissions (9):

PreventionGenetics, part of Exact Sciences
Classification: Likely benign for TSC2-related condition. Last evaluated: 2026-02-27. Review status: criteria provided, single submitter. Criteria: ACMG Guidelines, 2015. Collection method: clinical testing. Allele origin: germline.
Comment: This variant is classified as likely benign based on ACMG/AMP sequence variant interpretation guidelines (Richards et al. 2015 PMID: 25741868, with internal and published modifications).

Labcorp Genetics (formerly Invitae), Labcorp
Classification: Benign for Tuberous sclerosis 2. Last evaluated: 2026-01-26. Review status: criteria provided, single submitter. Criteria: Invitae Variant Classification Sherloc (09022015). Collection method: clinical testing. Allele origin: germline.

Myriad Genetics, Inc.
Classification: Likely benign for Tuberous sclerosis 2. Last evaluated: 2024-08-15. Review status: criteria provided, single submitter. Criteria: Myriad Autosomal Dominant, Autosomal Recessive and X-Linked Classification Criteria (2023). Collection method: clinical testing. Allele origin: unknown.
Comment: This variant is considered likely benign. This variant has been observed at a population frequency that is significantly greater than expected given the associated disease prevalence and penetrance.

Athena Diagnostics
Classification: Likely benign. Last evaluated: 2024-04-15. Review status: criteria provided, single submitter. Criteria: Athena Diagnostics Criteria. Collection method: clinical testing. Allele origin: unknown.

Color Diagnostics, LLC DBA Color Health
Classification: Benign for Tuberous sclerosis syndrome. Last evaluated: 2023-01-26. Review status: criteria provided, single submitter. Criteria: ACMG Guidelines, 2015. Collection method: clinical testing. Allele origin: germline.

Genome-Nilou Lab
Classification: Likely benign for Tuberous sclerosis 2. Last evaluated: 2021-11-07. Review status: criteria provided, single submitter. Criteria: ACMG Guidelines, 2015. Collection method: clinical testing. Allele origin: germline. Affected: no.

GeneDx
Classification: Likely benign. Last evaluated: 2021-03-06. Review status: criteria provided, single submitter. Criteria: GeneDx Variant Classification Process June 2021. Collection method: clinical testing. Allele origin: germline. Affected: yes.
Comment: This variant is associated with the following publications: (PMID: 22903760)

Ambry Genetics
Classification: Benign for Hereditary cancer-predisposing syndrome. Last evaluated: 2021-01-27. Review status: criteria provided, single submitter. Criteria: Ambry Variant Classification Scheme 2023. Collection method: clinical testing. Allele origin: germline.

Tuberous sclerosis database (TSC2)
No classification provided. Condition: TSC. Review status: no classification provided. Criteria: Tuberous Sclerosis Database Assertion Criteria 2015. Collection method: curation. Allele origin: germline. Affected: yes. Not counted in ClinVar's aggregate classification.

Literature cited by the submitters: PubMed 38217295 (cited by Athena Diagnostics); PubMed 36095024 (cited by Athena Diagnostics); PubMed 22903760 (cited by Athena Diagnostics and Ambry Genetics); PubMed 23514105 (cited by Athena Diagnostics).

NM_000548.5(TSC2):c.3434C>T (p.Pro1145Leu)

Gene: TSC2 (TSC complex subunit 2; plus strand). Cytogenetic location: 16p13.3.
Variant type: single nucleotide variant.
Coding change: c.3434C>T on transcript NM_000548.5 (MANE Select); coding-DNA position 3434, C replaced by T.
Protein change: p.Pro1145Leu; replaces proline 1145 with leucine.
Molecular consequence: missense variant.
Genome position (GRCh38, 1-based): chr16:2,080,201, C>T. VCF-style: chr16-2080201-C-T. GRCh37 (hg19) VCF-style: chr16-2130202-C-T.
Other names: c.3302C>T, p.Pro1101Leu (NM_001077183.3, NM_001370404.1); c.3434C>T, p.Pro1145Leu (NM_001114382.3); c.3194C>T, p.Pro1065Leu (NM_001318827.2); c.3158C>T, p.Pro1053Leu (NM_001318829.2); c.2702C>T, p.Pro901Leu (NM_001318831.2); c.3335C>T, p.Pro1112Leu (NM_001318832.2); c.3305C>T, p.Pro1102Leu (NM_001363528.2, NM_001370405.1, NM_021055.3); c.3434C>T (NM_000548.4); short protein forms P1145L, P1065L, P1053L, P1102L, P1101L, P1112L, P901L.
Identifiers: ClinVar variation 65221 (VCV000065221.21), dbSNP rs397515162, ClinGen allele CA019165.